The following is an entry in ClinVar:

ClinVar aggregate classification (germline): Uncertain significance (1 of 4 stars; one submission).

Conditions:
Inborn genetic diseases. Identifiers: MedGen C0950123, MeSH D030342.

gnomAD v4.1: 3 of 1,614,108 alleles (0.00019%); highest among the groups gnomAD compares: Admixed American, 0.005%; no homozygotes.

Submission:

Ambry Genetics
Classification: Uncertain significance for Inborn genetic diseases. Last evaluated: 2025-03-17. Review status: criteria provided, single submitter. Criteria: Ambry Variant Classification Scheme 2023. Collection method: clinical testing. Allele origin: germline.
Comment: The p.E92G variant (also known as c.275A>G), located in coding exon 3 of the CEP57 gene, results from an A to G substitution at nucleotide position 275. The glutamic acid at codon 92 is replaced by glycine, an amino acid with similar properties. This amino acid position is conserved. In addition, the in silico prediction for this alteration is inconclusive. Based on the available evidence, the clinical significance of this variant remains unclear.

NM_014679.5(CEP57):c.275A>G (p.Glu92Gly)

Gene: CEP57 (centrosomal protein 57; plus strand). Cytogenetic location: 11q21.
Variant type: single nucleotide variant.
Coding change: c.275A>G on transcript NM_014679.5 (MANE Select); coding-DNA position 275, A replaced by G.
Protein change: p.Glu92Gly; replaces glutamic acid 92 with glycine.
Molecular consequence: missense variant.
Genome position (GRCh38, 1-based): chr11:95,813,004, A>G. VCF-style: chr11-95813004-A-G. GRCh37 (hg19) VCF-style: chr11-95546168-A-G.
Other names: c.248A>G, p.Glu83Gly (NM_001243776.2); c.275A>G, p.Glu92Gly (NM_001243777.2); c.194A>G, p.Glu65Gly (NM_001363604.2); short protein forms E92G, E83G, E65G.
Identifiers: ClinVar variation 4000972 (VCV004000972.1).